The following is an entry in ClinVar:

NM_006231.4(POLE):c.3795+19_3795+32del

Gene: POLE (DNA polymerase epsilon, catalytic subunit; minus strand). Cytogenetic location: 12q24.33.
Variant type: Deletion.
Coding change: c.3795+19_3795+32del on transcript NM_006231.4 (MANE Select); bases 19 to 32 of the intron after coding-DNA position 3795, 14 bases deleted (ATACTGTCTGTCTC).
Molecular consequence: intron variant.
Genome position (GRCh38, 1-based): chr12:132,649,645-132,649,658, GAGACAGACAGTAT deleted on the plus strand (ATACTGTCTGTCTC on the coding strand, the reverse complement: POLE is on the minus strand). VCF-style (leftmost placement, unchanged base first): chr12-132649644-AGAGACAGACAGTAT-A. GRCh37 (hg19) VCF-style: chr12-133226230-AGAGACAGACAGTAT-A.
Identifiers: ClinVar variation 3650402 (VCV003650402.2).

ClinVar aggregate classification (germline): Uncertain significance (1 of 4 stars; one submission).

Submission:

Labcorp Genetics (formerly Invitae), Labcorp
Classification: Uncertain significance. Last evaluated: 2025-07-29. Review status: criteria provided, single submitter. Criteria: Invitae Variant Classification Sherloc (09022015). Collection method: clinical testing. Allele origin: germline.
Comment: This sequence change falls in intron 30 of the POLE gene. It does not directly change the encoded amino acid sequence of the POLE protein. This variant is not present in population databases (gnomAD no frequency). This variant has not been reported in the literature in individuals affected with POLE-related conditions. ClinVar contains an entry for this variant (Variation ID: 3650402). Experimental studies and prediction algorithms are not available or were not evaluated, and the effect of this variant on mRNA splicing is currently unknown. In summary, the available evidence is currently insufficient to determine the role of this variant in disease. Therefore, it has been classified as a Variant of Uncertain Significance.